The following is an entry in ClinVar:

NM_014795.4(ZEB2):c.2734C>T (p.Pro912Ser)

Gene: ZEB2 (zinc finger E-box binding homeobox 2; minus strand). Cytogenetic location: 2q22.3.
Variant type: single nucleotide variant.
Coding change: c.2734C>T on transcript NM_014795.4 (MANE Select); coding-DNA position 2734, C replaced by T.
Protein change: p.Pro912Ser; replaces proline 912 with serine.
Molecular consequence: missense variant.
Genome position (GRCh38, 1-based): chr2:144,398,453, G>A on the plus strand (C>T on the coding strand, the complement: ZEB2 is on the minus strand). VCF-style: chr2-144398453-G-A. GRCh37 (hg19) VCF-style: chr2-145156020-G-A.
Other names: c.2662C>T, p.Pro888Ser (NM_001171653.2); short protein forms P888S, P912S.
Identifiers: ClinVar variation 3706975 (VCV003706975.2).

ClinVar aggregate classification (germline): Uncertain significance (1 of 4 stars; one submission).

Conditions:
Mowat-Wilson syndrome (MOWS). Also called: Classic Mowat-Wilson Syndrome. Identifiers: Orphanet 2152, MedGen C1856113, MONDO:0009341, OMIM 235730.

Submission:

Labcorp Genetics (formerly Invitae), Labcorp
Classification: Uncertain significance for Mowat-Wilson syndrome. Last evaluated: 2024-06-28. Review status: criteria provided, single submitter. Criteria: Invitae Variant Classification Sherloc (09022015). Collection method: clinical testing. Allele origin: germline.
Comment: This sequence change replaces proline, which is neutral and non-polar, with serine, which is neutral and polar, at codon 912 of the ZEB2 protein (p.Pro912Ser). This variant is not present in population databases (gnomAD no frequency). This variant has not been reported in the literature in individuals affected with ZEB2-related conditions. Advanced modeling of protein sequence and biophysical properties (such as structural, functional, and spatial information, amino acid conservation, physicochemical variation, residue mobility, and thermodynamic stability) performed at Invitae indicates that this missense variant is not expected to disrupt ZEB2 protein function with a negative predictive value of 80%. In summary, the available evidence is currently insufficient to determine the role of this variant in disease. Therefore, it has been classified as a Variant of Uncertain Significance.